The following is an entry in ClinVar:

NM_017721.5(CC2D1A):c.1592A>G (p.Glu531Gly)

Gene: CC2D1A (coiled-coil and C2 domain containing 1A; plus strand). Cytogenetic location: 19p13.12.
Variant type: single nucleotide variant.
Coding change: c.1592A>G on transcript NM_017721.5 (MANE Select); coding-DNA position 1592, A replaced by G.
Protein change: p.Glu531Gly; replaces glutamic acid 531 with glycine.
Molecular consequence: missense variant.
Genome position (GRCh38, 1-based): chr19:13,920,873, A>G. VCF-style: chr19-13920873-A-G. GRCh37 (hg19) VCF-style: chr19-14031686-A-G.
Other names: c.1592A>G, p.Glu531Gly (NM_001411138.1); short protein forms E531G.
Identifiers: ClinVar variation 1775940 (VCV001775940.2), dbSNP rs768676876, ClinGen allele CA9244722.

ClinVar aggregate classification (germline): Uncertain significance (1 of 4 stars; one submission).

Conditions:
Inborn genetic diseases. Identifiers: MedGen C0950123, MeSH D030342.

Allele frequency attached by ClinVar (database versions not stated): gnomAD exomes below 0.00001; ExAC 0.00001.
gnomAD v4.1: 2 of 1,614,124 alleles (0.00012%); highest among the groups gnomAD compares: South Asian, 0.0022%; no homozygotes.

Submission:

Ambry Genetics
Classification: Uncertain significance for Inborn genetic diseases. Last evaluated: 2018-04-20. Review status: criteria provided, single submitter. Criteria: Ambry Variant Classification Scheme 2023. Collection method: clinical testing. Allele origin: germline.
Comment: The p.E531G variant (also known as c.1592A>G), located in coding exon 14 of the CC2D1A gene, results from an A to G substitution at nucleotide position 1592. The glutamic acid at codon 531 is replaced by glycine, an amino acid with similar properties. This amino acid position is not well conserved in available vertebrate species. In addition, this alteration is predicted to be tolerated by in silico analysis. Since supporting evidence is limited at this time, the clinical significance of this alteration remains unclear.